The following is an entry in ClinVar:

NM_001942.4(DSG1):c.1877G>A (p.Cys626Tyr)

Genes: DSG1 (desmoglein 1; plus strand), DSG1-AS1 (DSG1 antisense RNA 1; minus strand). Cytogenetic location: 18q12.1.
Variant type: single nucleotide variant.
Coding change: c.1877G>A on transcript NM_001942.4 (MANE Select); coding-DNA position 1877, G replaced by A.
Protein change: p.Cys626Tyr; replaces cysteine 626 with tyrosine.
Molecular consequence: missense variant.
Genome position (GRCh38, 1-based): chr18:31,343,981, G>A. VCF-style: chr18-31343981-G-A. GRCh37 (hg19) VCF-style: chr18-28923944-G-A.
Other names: short protein forms C626Y.
Identifiers: ClinVar variation 4808536 (VCV004808536.1).

ClinVar aggregate classification (germline): Uncertain significance (1 of 4 stars; one submission).

gnomAD v4.1: 7 of 1,612,254 alleles (0.00043%); highest among the groups gnomAD compares: Non-Finnish European, 0.00059%; no homozygotes.

Submission:

Labcorp Genetics (formerly Invitae), Labcorp
Classification: Uncertain significance. Last evaluated: 2025-04-17. Review status: criteria provided, single submitter. Criteria: Invitae Variant Classification Sherloc (09022015). Collection method: clinical testing. Allele origin: germline.
Comment: This sequence change replaces cysteine, which is neutral and slightly polar, with tyrosine, which is neutral and polar, at codon 626 of the DSG1 protein (p.Cys626Tyr). This variant is not present in population databases (gnomAD no frequency). This variant has not been reported in the literature in individuals affected with DSG1-related conditions. An algorithm developed to predict the effect of missense changes on protein structure and function outputs the following: PolyPhen-2: "Benign". The tyrosine amino acid residue is found in multiple mammalian species, which suggests that this missense change does not adversely affect protein function. In summary, the available evidence is currently insufficient to determine the role of this variant in disease. Therefore, it has been classified as a Variant of Uncertain Significance.